The following is an entry in ClinVar:

ClinVar aggregate classification (germline): Uncertain significance (1 of 4 stars; one submission).

Conditions:
Osteogenesis imperfecta type I (OI1). Also called: Lobstein disease; OI, TYPE I; OSTEOGENESIS IMPERFECTA TARDA; OSTEOGENESIS IMPERFECTA WITH BLUE SCLERAE; Osteogenesis imperfecta type 1; Lobstein's Disease. Identifiers: Orphanet 216796, Orphanet 666, MedGen C0023931, MONDO:0008146, OMIM 166200. Disease mechanism: loss of function.
Ehlers-Danlos syndrome, classic type, 1 (EDSCL1). Also called: EDS I; EHLERS-DANLOS SYNDROME, GRAVIS TYPE; EHLERS-DANLOS SYNDROME, SEVERE CLASSIC TYPE; Ehlers-Danlos syndrome, type 1; Ehlers-Danlos Syndrome, Classic Type, COL5A1-Related. Identifiers: MedGen C0268335, MONDO:0019567, OMIM 130000.

Allele frequency attached by ClinVar (database versions not stated): gnomAD 0.00001; gnomAD exomes 0.00001.
gnomAD v4.1: 15 of 1,613,898 alleles (0.00093%); highest among the groups gnomAD compares: Admixed American, 0.0017%; no homozygotes.

Submission:

Labcorp Genetics (formerly Invitae), Labcorp
Classification: Uncertain significance for Osteogenesis imperfecta type I; Ehlers-Danlos syndrome, classic type, 1. Last evaluated: 2024-03-13. Review status: criteria provided, single submitter. Criteria: Invitae Variant Classification Sherloc (09022015). Collection method: clinical testing. Allele origin: germline.
Comment: This sequence change replaces glutamic acid, which is acidic and polar, with aspartic acid, which is acidic and polar, at codon 266 of the COL1A2 protein (p.Glu266Asp). This variant is present in population databases (no rsID available, gnomAD 0.0009%). This missense change has been observed in individual(s) with Ehlers-Danlos syndrome (PMID: 31829210). Advanced modeling of protein sequence and biophysical properties (such as structural, functional, and spatial information, amino acid conservation, physicochemical variation, residue mobility, and thermodynamic stability) performed at Invitae indicates that this missense variant is not expected to disrupt COL1A2 protein function with a negative predictive value of 95%. In summary, the available evidence is currently insufficient to determine the role of this variant in disease. Therefore, it has been classified as a Variant of Uncertain Significance.

Literature cited by the submitters: PubMed 31829210.

NM_000089.4(COL1A2):c.798A>C (p.Glu266Asp)

Gene: COL1A2 (collagen type I alpha 2 chain; plus strand). Cytogenetic location: 7q21.3.
Variant type: single nucleotide variant.
Coding change: c.798A>C on transcript NM_000089.4 (MANE Select); coding-DNA position 798, A replaced by C.
Protein change: p.Glu266Asp; replaces glutamic acid 266 with aspartic acid.
Molecular consequence: missense variant.
Genome position (GRCh38, 1-based): chr7:94,409,327, A>C. VCF-style: chr7-94409327-A-C. GRCh37 (hg19) VCF-style: chr7-94038639-A-C.
Other names: short protein forms E266D.
Identifiers: ClinVar variation 2932362 (VCV002932362.3), dbSNP rs1420686781, ClinGen allele CA368220550.